The following is an entry in ClinVar:

ClinVar aggregate classification (germline): Pathogenic. Review status: criteria provided, multiple submitters, no conflicts (2 of 4 stars). 2 submissions from 2 submitters: Pathogenic (2). Last evaluated 2025-03-13.

Conditions:
Osteogenesis imperfecta type 6. Also called: Osteogenesis imperfecta, type VI. Identifiers: Orphanet 666, MedGen C3279564, MONDO:0013515, OMIM 613982.

gnomAD v4.1: 3 of 1,613,982 alleles (0.00019%); highest among the groups gnomAD compares: Non-Finnish European, 0.00017%; no homozygotes.

Submissions (2):

Labcorp Genetics (formerly Invitae), Labcorp
Classification: Pathogenic. Last evaluated: 2025-03-13. Review status: criteria provided, single submitter. Criteria: Invitae Variant Classification Sherloc (09022015). Collection method: clinical testing. Allele origin: germline.
Comment: This sequence change affects a donor splice site in intron 3 of the SERPINF1 gene. It is expected to disrupt RNA splicing. Variants that disrupt the donor or acceptor splice site typically lead to a loss of protein function (PMID: 16199547), and loss-of-function variants in SERPINF1 are known to be pathogenic (PMID: 21353196, 21826736). This variant is not present in population databases (gnomAD no frequency). Disruption of this splice site has been observed in individuals with osteogenesis imperfecta (PMID: 32123938, 37839784). Algorithms developed to predict the effect of sequence changes on RNA splicing suggest that this variant may disrupt the consensus splice site. For these reasons, this variant has been classified as Pathogenic.

Laboratorio de Genetica e Diagnostico Molecular, Hospital Israelita Albert Einstein
Classification: Pathogenic for Osteogenesis imperfecta type 6. Last evaluated: 2024-02-09. Review status: criteria provided, single submitter. Criteria: ACMG Guidelines, 2015. Collection method: clinical testing. Allele origin: germline. Affected: yes.
Comment: ACMG classification criteria: PVS1 very strong, PM2 supporting, PM3 supporting

Literature cited by the submitters: PubMed 16199547 (cited by Labcorp Genetics (formerly Invitae), Labcorp); PubMed 21353196 (cited by Labcorp Genetics (formerly Invitae), Labcorp); PubMed 21826736 (cited by Labcorp Genetics (formerly Invitae), Labcorp); PubMed 32123938 (cited by Labcorp Genetics (formerly Invitae), Labcorp); PubMed 37839784 (cited by Labcorp Genetics (formerly Invitae), Labcorp).

NM_002615.7(SERPINF1):c.283+2T>C

Genes: SERPINF1 (serpin family F member 1; plus strand), LOC130059892 (ATAC-STARR-seq lymphoblastoid active region 11457; plus strand). Cytogenetic location: 17p13.3.
Variant type: single nucleotide variant.
Coding change: c.283+2T>C on transcript NM_002615.7 (MANE Select); the canonical splice donor site of the intron after coding-DNA position 283, T replaced by C.
Molecular consequence: splice donor variant.
Genome position (GRCh38, 1-based): chr17:1,770,052, T>C. VCF-style: chr17-1770052-T-C. GRCh37 (hg19) VCF-style: chr17-1673346-T-C.
Other names: c.-279+2T>C (NM_001329904.2); c.283+2T>C (NM_001329903.2).
Identifiers: ClinVar variation 4076401 (VCV004076401.2).
Genomic context (GRCh38, chr17:1,770,052, plus strand): 5'-GACCAACGTGCTCCTGTCTCCTCTCAGTGTGGCCACGGCCCTCTCGGCCCTCTCGCTGGG[T>C]GAGTGCTCAGATGCAGGAAGCCCCAGGCAGACCTGGAGAGGCCCCCTGTGGCCTCTGCGT-3'